The following is an entry in ClinVar:

ClinVar aggregate classification (germline): Uncertain significance (1 of 4 stars; one submission).

Conditions:
Hypertrophic cardiomyopathy. Also called: HYPERTROPHIC MYOCARDIOPATHY. Identifiers: Orphanet 217569, MedGen C0007194, MeSH D002312, MONDO:0005045, HP:0001639.

Submission:

Labcorp Genetics (formerly Invitae), Labcorp
Classification: Uncertain significance for Hypertrophic cardiomyopathy. Last evaluated: 2023-11-21. Review status: criteria provided, single submitter. Criteria: Invitae Variant Classification Sherloc (09022015). Collection method: clinical testing. Allele origin: unknown.
Comment: A gross deletion of the genomic region encompassing the full coding sequence of the JPH2 gene has been identified. The current clinical and genetic evidence is not sufficient to establish whether loss-of-function variants in JPH2 cause disease. The boundaries of this event are unknown as they extend beyond the assayed region for this gene and therefore may encompass additional genes. This variant has not been reported in the literature in individuals affected with JPH2-related conditions. In summary, the available evidence is currently insufficient to determine the role of this variant in disease. Therefore, it has been classified as a Variant of Uncertain Significance.

NC_000020.10:g.(?_42743436)_(42815345_?)del

Gene: JPH2 (junctophilin 2; minus strand). Cytogenetic location: 20q13.12.
Variant type: Deletion.
Identifiers: ClinVar variation 3248219 (VCV003248219.1).